The following is an entry in ClinVar:

ClinVar aggregate classification (germline): Uncertain significance (1 of 4 stars; one submission).

Submission:

Labcorp Genetics (formerly Invitae), Labcorp
Classification: Uncertain significance. Last evaluated: 2022-09-17. Review status: criteria provided, single submitter. Criteria: Invitae Variant Classification Sherloc (09022015). Collection method: clinical testing. Allele origin: germline.
Comment: In summary, the available evidence is currently insufficient to determine the role of this variant in disease. Therefore, it has been classified as a Variant of Uncertain Significance. Advanced modeling of protein sequence and biophysical properties (such as structural, functional, and spatial information, amino acid conservation, physicochemical variation, residue mobility, and thermodynamic stability) has been performed at Invitae for this missense variant, however the output from this modeling did not meet the statistical confidence thresholds required to predict the impact of this variant on GFAP protein function. This variant has not been reported in the literature in individuals affected with GFAP-related conditions. This variant is not present in population databases (gnomAD no frequency). This sequence change replaces alanine, which is neutral and non-polar, with aspartic acid, which is acidic and polar, at codon 99 of the GFAP protein (p.Ala99Asp).

NM_002055.5(GFAP):c.296C>A (p.Ala99Asp)

Gene: GFAP (glial fibrillary acidic protein; minus strand). Cytogenetic location: 17q21.31.
Variant type: single nucleotide variant.
Coding change: c.296C>A on transcript NM_002055.5 (MANE Select); coding-DNA position 296, C replaced by A.
Protein change: p.Ala99Asp; replaces alanine 99 with aspartic acid.
Molecular consequence: missense variant.
Genome position (GRCh38, 1-based): chr17:44,915,191, G>T on the plus strand (C>A on the coding strand, the complement: GFAP is on the minus strand). VCF-style: chr17-44915191-G-T. GRCh37 (hg19) VCF-style: chr17-42992559-G-T.
Other names: c.296C>A, p.Ala99Asp (NM_001131019.3, NM_001242376.3, NM_001363846.2); short protein forms A99D.
Identifiers: ClinVar variation 1947474 (VCV001947474.5), dbSNP rs2508949380, ClinGen allele CA399848445.